The following is an entry in ClinVar:

ClinVar aggregate classification (germline): Uncertain significance (1 of 4 stars; one submission).

Conditions:
Familial thoracic aortic aneurysm and aortic dissection (TAAD). Also called: Thoracic aortic aneurysms and dissections. Identifiers: Orphanet 91387, MedGen C4707243, MONDO:0019625.

gnomAD v4.1: 1 of 1,613,544 alleles (0.000062%); highest among the groups gnomAD compares: Non-Finnish European, 0.000085%; no homozygotes.

Submission:

Ambry Genetics
Classification: Uncertain significance for Familial thoracic aortic aneurysm and aortic dissection. Last evaluated: 2025-10-21. Review status: criteria provided, single submitter. Criteria: Ambry Variant Classification Scheme 2023. Collection method: clinical testing. Allele origin: germline.
Comment: The p.L381F variant (also known as c.1141C>T), located in coding exon 10 of the PRKG1 gene, results from a C to T substitution at nucleotide position 1141. The leucine at codon 381 is replaced by phenylalanine, an amino acid with highly similar properties. This amino acid position is highly conserved in available vertebrate species. In addition, the in silico prediction for this alteration is inconclusive. Based on the available evidence, the clinical significance of this variant remains unclear.

NM_006258.4(PRKG1):c.1141C>T (p.Leu381Phe)

Gene: PRKG1 (protein kinase cGMP-dependent 1; plus strand). Cytogenetic location: 10q21.1.
Variant type: single nucleotide variant.
Coding change: c.1141C>T on transcript NM_006258.4 (MANE Select); coding-DNA position 1141, C replaced by T.
Protein change: p.Leu381Phe; replaces leucine 381 with phenylalanine.
Molecular consequence: missense variant. On other transcripts: 5 prime UTR variant (1).
Genome position (GRCh38, 1-based): chr10:52,251,634, C>T. VCF-style: chr10-52251634-C-T. GRCh37 (hg19) VCF-style: chr10-54011394-C-T.
Other names: c.1096C>T, p.Leu366Phe (NM_001098512.3); c.-69C>T (NM_001374781.1); short protein forms L366F, L381F.
Identifiers: ClinVar variation 4635524 (VCV004635524.1).